The following is an entry in ClinVar:

NM_000179.3(MSH6):c.2377G>A (p.Asp793Asn)

Gene: MSH6 (mutS homolog 6; plus strand). Cytogenetic location: 2p16.3.
Variant type: single nucleotide variant.
Coding change: c.2377G>A on transcript NM_000179.3 (MANE Select); coding-DNA position 2377, G replaced by A.
Protein change: p.Asp793Asn; replaces aspartic acid 793 with asparagine.
Molecular consequence: missense variant.
Genome position (GRCh38, 1-based): chr2:47,800,360, G>A. VCF-style: chr2-47800360-G-A. GRCh37 (hg19) VCF-style: chr2-48027499-G-A.
Other names: c.1987G>A, p.Asp663Asn (NM_001281492.2); c.1471G>A, p.Asp491Asn (NM_001281493.2, NM_001281494.2, NM_001406811.1 and 6 more transcripts); c.2473G>A, p.Asp825Asn (NM_001406795.1, NM_001406802.1); c.2377G>A, p.Asp793Asn (NM_001406796.1, NM_001406798.1, NM_001406800.1 and 2 more transcripts); c.2080G>A, p.Asp694Asn (NM_001406797.1, NM_001406801.1, NM_001406805.1 and 10 more transcripts); c.1852G>A, p.Asp618Asn (NM_001406799.1, NM_001406806.1, NM_001406807.1); c.2299G>A, p.Asp767Asn (NM_001406804.1); c.2383G>A, p.Asp795Asn (NM_001406813.1); and 1 more; short protein forms D491N, D663N, D795N, D825N, D694N, D737N, D618N, D767N.
Identifiers: ClinVar variation 1790382 (VCV001790382.2), dbSNP rs1553413737, ClinGen allele CA346753726.

ClinVar aggregate classification (germline): Uncertain significance (1 of 4 stars; one submission).

Conditions:
Hereditary cancer-predisposing syndrome. Also called: Hereditary Cancer Syndrome; Hereditary neoplastic syndrome; Tumor predisposition; Neoplastic Syndromes, Hereditary. Identifiers: Orphanet 140162, MedGen C0027672, MeSH D009386, MONDO:0015356.

Submission:

Ambry Genetics
Classification: Uncertain significance for Hereditary cancer-predisposing syndrome. Last evaluated: 2018-08-28. Review status: criteria provided, single submitter. Criteria: Ambry Variant Classification Scheme 2023. Collection method: clinical testing. Allele origin: germline.
Comment: The p.D793N variant (also known as c.2377G>A), located in coding exon 4 of the MSH6 gene, results from a G to A substitution at nucleotide position 2377. The aspartic acid at codon 793 is replaced by asparagine, an amino acid with highly similar properties. This amino acid position is well conserved in available vertebrate species. In addition, the in silico prediction for this alteration is inconclusive. In addition, the CoDP in silico tool predicts this alteration to have a minor impact on molecular function, with a score of 0.007 (Terui H et al. J. Biomed. Sci. 2013 Apr;20:25). Since supporting evidence is limited at this time, the clinical significance of this alteration remains unclear.